The following is an entry in ClinVar:

NM_015274.3(MAN2B2):c.2282C>T (p.Ser761Leu)

Gene: MAN2B2 (mannosidase alpha class 2B member 2; plus strand). Cytogenetic location: 4p16.1.
Variant type: single nucleotide variant.
Coding change: c.2282C>T on transcript NM_015274.3 (MANE Select); coding-DNA position 2282, C replaced by T.
Protein change: p.Ser761Leu; replaces serine 761 with leucine.
Molecular consequence: missense variant.
Genome position (GRCh38, 1-based): chr4:6,610,902, C>T. VCF-style: chr4-6610902-C-T. GRCh37 (hg19) VCF-style: chr4-6612629-C-T.
Other names: c.2129C>T, p.Ser710Leu (NM_001292038.2); short protein forms S710L, S761L.
Identifiers: ClinVar variation 4102816 (VCV004102816.2).

ClinVar aggregate classification (germline): Uncertain significance. Review status: criteria provided, multiple submitters, no conflicts (2 of 4 stars). 2 submissions from 2 submitters: Uncertain significance (2). Last evaluated 2026-04-02.

gnomAD v4.1: 46 of 1,614,156 alleles (0.0028%); highest among the groups gnomAD compares: East Asian, 0.0067%; no homozygotes.

Submissions (2):

Women's Health and Genetics/Laboratory Corporation of America, LabCorp
Classification: Uncertain significance. Last evaluated: 2026-04-02. Review status: criteria provided, single submitter. Criteria: LabCorp Variant Classification Summary - May 2015. Collection method: clinical testing. Allele origin: germline.
Comment: Variant summary: MAN2B2 c.2282C>T (p.Ser761Leu) results in a non-conservative amino acid change in the encoded protein sequence. Algorithms developed to predict the effect of missense changes on protein structure and function are either unavailable or do not agree on the potential impact of this missense change. The variant allele was found at a frequency of 1.2e-05 in 251446 control chromosomes. The available data on variant occurrences in the general population are insufficient to allow any conclusion about variant significance. To our knowledge, no occurrence of c.2282C>T in individuals affected with MAN2B2-related conditions and no experimental evidence demonstrating its impact on protein function have been reported. ClinVar contains an entry for this variant (Variation ID: 4102816). Based on the evidence outlined above, the variant was classified as uncertain significance.

Ambry Genetics
Classification: Uncertain significance. Last evaluated: 2025-08-25. Review status: criteria provided, single submitter. Criteria: Ambry Variant Classification Scheme 2023. Collection method: clinical testing. Allele origin: germline.